The following is an entry in ClinVar:

NM_003839.4(TNFRSF11A):c.1295C>G (p.Pro432Arg)

Gene: TNFRSF11A (TNF receptor superfamily member 11a; plus strand). Cytogenetic location: 18q21.33.
Variant type: single nucleotide variant.
Coding change: c.1295C>G on transcript NM_003839.4 (MANE Select); coding-DNA position 1295, C replaced by G.
Protein change: p.Pro432Arg; replaces proline 432 with arginine.
Molecular consequence: missense variant. On other transcripts: intron variant (3).
Genome position (GRCh38, 1-based): chr18:62,369,212, C>G. VCF-style: chr18-62369212-C-G. GRCh37 (hg19) VCF-style: chr18-60036445-C-G.
Other names: c.1253C>G, p.Pro418Arg (NM_001278268.2); c.783+2452C>G (NM_001270949.2); c.730+7419C>G (NM_001270950.2); c.616+9163C>G (NM_001270951.2); short protein forms P432R, P418R.
Identifiers: ClinVar variation 1480324 (VCV001480324.8), dbSNP rs267605223, ClinGen allele CA301704269.

ClinVar aggregate classification (germline): Uncertain significance (1 of 4 stars; one submission).

gnomAD v4.1: 2 of 1,613,906 alleles (0.00012%); no homozygotes.

Submission:

Labcorp Genetics (formerly Invitae), Labcorp
Classification: Uncertain significance. Last evaluated: 2025-09-02. Review status: criteria provided, single submitter. Criteria: Invitae Variant Classification Sherloc (09022015). Collection method: clinical testing. Allele origin: germline.
Comment: This sequence change replaces proline, which is neutral and non-polar, with arginine, which is basic and polar, at codon 432 of the TNFRSF11A protein (p.Pro432Arg). This variant is not present in population databases (gnomAD no frequency). This variant has not been reported in the literature in individuals affected with TNFRSF11A-related conditions. ClinVar contains an entry for this variant (Variation ID: 1480324). An algorithm developed to predict the effect of missense changes on protein structure and function outputs the following: PolyPhen-2: "Benign". The arginine amino acid residue is found in multiple mammalian species, which suggests that this missense change does not adversely affect protein function. In summary, the available evidence is currently insufficient to determine the role of this variant in disease. Therefore, it has been classified as a Variant of Uncertain Significance.